The following is an entry in ClinVar:

ClinVar aggregate classification (germline): Uncertain significance (1 of 4 stars; one submission).

Conditions:
Aortic aneurysm, familial thoracic 7 (AAT7). Also called: AORTIC DISSECTION, FAMILIAL, WITH OR WITHOUT AORTIC ANEURYSM. Identifiers: MedGen C3151077, MONDO:0013418, OMIM 613780.

Submission:

Labcorp Genetics (formerly Invitae), Labcorp
Classification: Uncertain significance for Aortic aneurysm, familial thoracic 7. Last evaluated: 2021-06-17. Review status: criteria provided, single submitter. Criteria: Invitae Variant Classification Sherloc (09022015). Collection method: clinical testing. Allele origin: germline.
Comment: This sequence change creates a premature translational stop signal (p.Ser328Cysfs*68) in the MYLK gene. It is expected to result in an absent or disrupted protein product. This variant occurs in the long isoform of MYLK (PMID: 21055718). The current clinical and genetic evidence is not sufficient to establish whether loss-of-function variants in the long isoform of MYLK cause disease. In summary, the available evidence is currently insufficient to determine the role of this variant in disease. Therefore, it has been classified as a Variant of Uncertain Significance. This variant has not been reported in the literature in individuals with MYLK-related conditions. This variant is not present in population databases (ExAC no frequency).

Literature cited by the submitters: PubMed 21055718.

NM_053025.4(MYLK):c.983del (p.Ser328fs)

Gene: MYLK (myosin light chain kinase; minus strand). Cytogenetic location: 3q21.1.
Variant type: Deletion.
Coding change: c.983del on transcript NM_053025.4 (MANE Select); coding-DNA position 983, one base deleted (C; older notation c.983delC).
Protein change: p.Ser328fs; shifts the reading frame from serine 328.
Molecular consequence: frameshift variant.
Genome position (GRCh38, 1-based): chr3:123,734,013, G deleted on the plus strand (C on the coding strand, the reverse complement: MYLK is on the minus strand). VCF-style (leftmost placement, unchanged base first): chr3-123734012-CG-C. GRCh37 (hg19) VCF-style: chr3-123452859-CG-C.
Other names: c.455del, p.Ser152fs (NM_001321309.2); c.983del, p.Ser328fs (NM_053026.4, NM_053027.4, NM_053028.4); short protein forms S328fs, S152fs.
Identifiers: ClinVar variation 1402277 (VCV001402277.8), dbSNP rs2108792839, ClinGen allele CA2573136425.